The following is an entry in ClinVar:

ClinVar aggregate classification (germline): Uncertain significance (1 of 4 stars; one submission).

Allele frequency attached by ClinVar (database versions not stated): gnomAD exomes below 0.00001.
gnomAD v4.1: 2 of 1,614,176 alleles (0.00012%); highest among the groups gnomAD compares: Non-Finnish European, 0.00017%; no homozygotes.

Submission:

Ambry Genetics
Classification: Uncertain significance. Last evaluated: 2024-02-16. Review status: criteria provided, single submitter. Criteria: Ambry Variant Classification Scheme 2023. Collection method: clinical testing. Allele origin: germline.
Comment: The p.W387R variant (also known as c.1159T>C), located in coding exon 6 of the GALNT12 gene, results from a T to C substitution at nucleotide position 1159. The tryptophan at codon 387 is replaced by arginine, an amino acid with dissimilar properties. This amino acid position is highly conserved in available vertebrate species. In addition, this alteration is predicted to be deleterious by in silico analysis. Since supporting evidence is limited at this time, the clinical significance of this alteration remains unclear.

NM_024642.5(GALNT12):c.1159T>C (p.Trp387Arg)

Gene: GALNT12 (polypeptide N-acetylgalactosaminyltransferase 12; plus strand). Cytogenetic location: 9q22.33.
Variant type: single nucleotide variant.
Coding change: c.1159T>C on transcript NM_024642.5 (MANE Select); coding-DNA position 1159, T replaced by C.
Protein change: p.Trp387Arg; replaces tryptophan 387 with arginine.
Molecular consequence: missense variant.
Genome position (GRCh38, 1-based): chr9:98,837,095, T>C. VCF-style: chr9-98837095-T-C. GRCh37 (hg19) VCF-style: chr9-101599377-T-C.
Other names: short protein forms W387R.
Identifiers: ClinVar variation 1736200 (VCV001736200.2), dbSNP rs1206433914, ClinGen allele CA374219915.